The following is an entry in ClinVar:

NM_001288705.3(CSF1R):c.2203G>A (p.Asp735Asn)

Gene: CSF1R (colony stimulating factor 1 receptor; minus strand). Cytogenetic location: 5q32.
Variant type: single nucleotide variant.
Coding change: c.2203G>A on transcript NM_001288705.3 (MANE Select); coding-DNA position 2203, G replaced by A.
Protein change: p.Asp735Asn; replaces aspartic acid 735 with asparagine.
Molecular consequence: missense variant. On other transcripts: non-coding transcript variant (2).
Genome position (GRCh38, 1-based): chr5:150,057,522, C>T on the plus strand (G>A on the coding strand, the complement: CSF1R is on the minus strand). VCF-style: chr5-150057522-C-T. GRCh37 (hg19) VCF-style: chr5-149437085-C-T.
Other names: c.2203G>A, p.Asp735Asn (NM_001349736.2, NM_001375320.1, NM_005211.4); c.1759G>A, p.Asp587Asn (NM_001375321.1); short protein forms D587N, D735N.
Identifiers: ClinVar variation 1960377 (VCV001960377.5), dbSNP rs887139619, ClinGen allele CA361760525.

ClinVar aggregate classification (germline): Uncertain significance (1 of 4 stars; one submission).

Submission:

Labcorp Genetics (formerly Invitae), Labcorp
Classification: Uncertain significance. Last evaluated: 2022-04-25. Review status: criteria provided, single submitter. Criteria: Invitae Variant Classification Sherloc (09022015). Collection method: clinical testing. Allele origin: germline.
Comment: This sequence change replaces aspartic acid, which is acidic and polar, with asparagine, which is neutral and polar, at codon 735 of the CSF1R protein (p.Asp735Asn). This variant is not present in population databases (gnomAD no frequency). In summary, the available evidence is currently insufficient to determine the role of this variant in disease. Therefore, it has been classified as a Variant of Uncertain Significance. Advanced modeling of protein sequence and biophysical properties (such as structural, functional, and spatial information, amino acid conservation, physicochemical variation, residue mobility, and thermodynamic stability) performed at Invitae indicates that this missense variant is not expected to disrupt CSF1R protein function. This variant has not been reported in the literature in individuals affected with CSF1R-related conditions.